The following is an entry in ClinVar:

ClinVar aggregate classification (germline): Likely benign (0 of 4 stars; one submission).

Conditions:
PKD1-related disorder. Also called: PKD1-related condition.

Allele frequency attached by ClinVar (database versions not stated): gnomAD 0.00001; TOPMed 0.00003.

Submission:

PreventionGenetics, part of Exact Sciences
Classification: Likely benign for PKD1-related condition. Last evaluated: 2019-03-13. Review status: no assertion criteria provided. Collection method: clinical testing. Allele origin: germline.
Comment: This variant is classified as likely benign based on ACMG/AMP sequence variant interpretation guidelines (Richards et al. 2015 PMID: 25741868, with internal and published modifications).

NM_001009944.3(PKD1):c.2986-10G>A

Gene: PKD1 (polycystin 1, transient receptor potential channel interacting; minus strand). Cytogenetic location: 16p13.3.
Variant type: single nucleotide variant.
Coding change: c.2986-10G>A on transcript NM_001009944.3 (MANE Select); 10 bases into the intron before coding-DNA position 2986, G replaced by A.
Molecular consequence: intron variant.
Genome position (GRCh38, 1-based): chr16:2,112,973, C>T on the plus strand (G>A on the coding strand, the complement: PKD1 is on the minus strand). VCF-style: chr16-2112973-C-T. GRCh37 (hg19) VCF-style: chr16-2162974-C-T.
Other names: c.2986-10G>A (NM_000296.4).
Identifiers: ClinVar variation 3046977 (VCV003046977.2), dbSNP rs1018699765, ClinGen allele CA276782312.